The following is an entry in ClinVar:

ClinVar aggregate classification (germline): Pathogenic (1 of 4 stars; one submission).

Conditions:
VPS13A-related neurodegenerative disease. Also called: ACANTHOCYTOSIS WITH NEUROLOGIC DISORDER; LEVINE-CRITCHLEY SYNDROME; Choreoacanthocytosis; Chorea-acanthocytosis; Choreaacanthocytosis; VPS13A Disease. Identifiers: Orphanet 2388, MedGen C0393576, MONDO:0008695, OMIM 200150.

Submission:

Myriad Genetics, Inc.
Classification: Pathogenic for VPS13A-related neurodegenerative disease. Last evaluated: 2024-05-14. Review status: criteria provided, single submitter. Criteria: Myriad Autosomal Dominant, Autosomal Recessive and X-Linked Classification Criteria (2023). Collection method: clinical testing. Allele origin: unknown.
Comment: NM_033305.2(VPS13A):c.9007_9008ins17(V3003Dfs*7) is expected to be pathogenic in the context of VPS13A disease. This variant is predicted to lead to an abnormal or absent protein product due to the creation of a premature termination codon in VPS13A, a gene where loss-of-function variants are known to be pathogenic. Please note: this variant was assessed in the context of healthy population screening.

NM_033305.3(VPS13A):c.9007_9008insACTGTCTCTTATACACA (p.Val3003fs)

Gene: VPS13A (vacuolar protein sorting 13 homolog A; plus strand). Cytogenetic location: 9q21.2.
Variant type: Insertion.
Coding change: c.9007_9008insACTGTCTCTTATACACA on transcript NM_033305.3 (MANE Select); coding-DNA positions 9007 to 9008, ACTGTCTCTTATACACA inserted.
Protein change: p.Val3003fs; shifts the reading frame from valine 3003.
Molecular consequence: frameshift variant.
Genome position: GRCh38 VCF-style: chr9-77371079-G-GACTGTCTCTTATACACA. GRCh37 (hg19) VCF-style: chr9-79985995-G-GACTGTCTCTTATACACA.
Other names: c.8890_8891insACTGTCTCTTATACACA, p.Val2964fs (NM_001018037.2); c.9007_9008insACTGTCTCTTATACACA, p.Val3003fs (NM_001018038.3, NM_015186.4); short protein forms V2964fs, V3003fs.
Identifiers: ClinVar variation 5011182 (VCV005011182.1).